The following is an entry in ClinVar:

NM_004006.3(DMD):c.2714T>G (p.Met905Arg)

Gene: DMD (dystrophin; minus strand). Cytogenetic location: Xp21.1.
Variant type: single nucleotide variant.
Coding change: c.2714T>G on transcript NM_004006.3 (MANE Select); coding-DNA position 2714, T replaced by G.
Protein change: p.Met905Arg; replaces methionine 905 with arginine.
Molecular consequence: missense variant.
Genome position (GRCh38, 1-based): chrX:32,485,008, A>C on the plus strand (T>G on the coding strand, the complement: DMD is on the minus strand). VCF-style: chrX-32485008-A-C. GRCh37 (hg19) VCF-style: chrX-32503125-A-C.
Other names: c.2690T>G, p.Met897Arg (NM_000109.4); c.2702T>G, p.Met901Arg (NM_004009.3); c.2345T>G, p.Met782Arg (NM_004010.3); short protein forms M782R, M905R, M901R, M897R.
Identifiers: ClinVar variation 1396523 (VCV001396523.8), dbSNP rs1454170307, ClinGen allele CA412670823.

ClinVar aggregate classification (germline): Uncertain significance (1 of 4 stars; one submission).

Conditions:
Duchenne muscular dystrophy (DMD). Also called: MUSCULAR DYSTROPHY, PSEUDOHYPERTROPHIC PROGRESSIVE, DUCHENNE TYPE; Duchenne Muscular Dystrophy (DMD). Identifiers: Orphanet 98896, MedGen C0013264, MONDO:0010679, OMIM 310200.

Submission:

Labcorp Genetics (formerly Invitae), Labcorp
Classification: Uncertain significance for Duchenne muscular dystrophy. Last evaluated: 2022-12-02. Review status: criteria provided, single submitter. Criteria: Invitae Variant Classification Sherloc (09022015). Collection method: clinical testing. Allele origin: germline.
Comment: This sequence change replaces methionine, which is neutral and non-polar, with arginine, which is basic and polar, at codon 905 of the DMD protein (p.Met905Arg). This variant is not present in population databases (gnomAD no frequency). This variant has not been reported in the literature in individuals affected with DMD-related conditions. ClinVar contains an entry for this variant (Variation ID: 1396523). Advanced modeling of protein sequence and biophysical properties (such as structural, functional, and spatial information, amino acid conservation, physicochemical variation, residue mobility, and thermodynamic stability) performed at Invitae indicates that this missense variant is not expected to disrupt DMD protein function. In summary, the available evidence is currently insufficient to determine the role of this variant in disease. Therefore, it has been classified as a Variant of Uncertain Significance.